The following is an entry in ClinVar:

ClinVar aggregate classification (germline): Uncertain significance. Review status: criteria provided, multiple submitters, no conflicts (2 of 4 stars). 3 submissions from 3 submitters: Uncertain significance (3). Last evaluated 2025-12-29.

Conditions:
Fanconi anemia complementation group O. Also called: RAD51C-Related Fanconi Anemia. Identifiers: Orphanet 84, MedGen C3150653, MONDO:0013248, OMIM 613390.
Hereditary cancer-predisposing syndrome. Also called: Tumor predisposition; Neoplastic Syndromes, Hereditary; Hereditary Cancer Syndrome; Hereditary neoplastic syndrome. Identifiers: Orphanet 140162, MedGen C0027672, MeSH D009386, MONDO:0015356.

Allele frequency attached by ClinVar (database versions not stated): gnomAD exomes below 0.00001.
gnomAD v4.1: 1 of 1,614,124 alleles (0.000062%); highest among the groups gnomAD compares: South Asian, 0.0011%; no homozygotes.

Submissions (3):

Labcorp Genetics (formerly Invitae), Labcorp
Classification: Uncertain significance for Fanconi anemia complementation group O. Last evaluated: 2025-12-29. Review status: criteria provided, single submitter. Criteria: Invitae Variant Classification Sherloc (09022015). Collection method: clinical testing. Allele origin: germline.
Comment: This sequence change replaces phenylalanine, which is neutral and non-polar, with leucine, which is neutral and non-polar, at codon 103 of the RAD51C protein (p.Phe103Leu). This variant is not present in population databases (gnomAD no frequency). This variant has not been reported in the literature in individuals affected with RAD51C-related conditions. ClinVar contains an entry for this variant (Variation ID: 627735). Invitae Evidence Modeling of protein sequence and biophysical properties (such as structural, functional, and spatial information, amino acid conservation, physicochemical variation, residue mobility, and thermodynamic stability) indicates that this missense variant is not expected to disrupt RAD51C protein function with a negative predictive value of 80%. In summary, the available evidence is currently insufficient to determine the role of this variant in disease. Therefore, it has been classified as a Variant of Uncertain Significance.

Ambry Genetics
Classification: Uncertain significance for Hereditary cancer-predisposing syndrome. Last evaluated: 2025-10-23. Review status: criteria provided, single submitter. Criteria: Ambry Variant Classification Scheme 2023. Collection method: clinical testing. Allele origin: germline.
Comment: The p.F103L variant (also known as c.309C>G), located in coding exon 2 of the RAD51C gene, results from a C to G substitution at nucleotide position 309. The phenylalanine at codon 103 is replaced by leucine, an amino acid with highly similar properties. This amino acid position is highly conserved in available vertebrate species. In addition, the in silico prediction for this alteration is inconclusive. Since supporting evidence is limited at this time, the clinical significance of this alteration remains unclear.

Color Diagnostics, LLC DBA Color Health
Classification: Uncertain significance for Hereditary cancer-predisposing syndrome. Last evaluated: 2023-12-05. Review status: criteria provided, single submitter. Criteria: ACMG Guidelines, 2015. Collection method: clinical testing. Allele origin: germline.
Comment: This missense variant replaces phenylalanine with leucine at codon 103 of the RAD51C protein. Computational prediction suggests that this variant may not impact protein structure and function (internally defined REVEL score threshold <= 0.5, PMID: 27666373). To our knowledge, functional studies have not been reported for this variant. This variant has not been reported in individuals affected with RAD51C-related disorders in the literature. This variant has not been identified in the general population by the Genome Aggregation Database (gnomAD). The available evidence is insufficient to determine the role of this variant in disease conclusively. Therefore, this variant is classified as a Variant of Uncertain Significance.

NM_058216.3(RAD51C):c.309C>G (p.Phe103Leu)

Gene: RAD51C (RAD51 paralog C; plus strand). Cytogenetic location: 17q22.
Variant type: single nucleotide variant.
Coding change: c.309C>G on transcript NM_058216.3 (MANE Select); coding-DNA position 309, C replaced by G.
Protein change: p.Phe103Leu; replaces phenylalanine 103 with leucine.
Molecular consequence: missense variant. On other transcripts: non-coding transcript variant (2).
Genome position (GRCh38, 1-based): chr17:58,695,094, C>G. VCF-style: chr17-58695094-C-G. GRCh37 (hg19) VCF-style: chr17-56772455-C-G.
Other names: c.309C>G, p.Phe103Leu (NM_002876.4); short protein forms F103L.
Identifiers: ClinVar variation 627735 (VCV000627735.12), dbSNP rs1484551212, ClinGen allele CA400341101.